The following is an entry in ClinVar:

NM_001289104.2(PRKCSH):c.1569G>A (p.Pro523=)

Gene: PRKCSH (PRKCSH beta subunit of glucosidase II; plus strand). Cytogenetic location: 19p13.2.
Variant type: single nucleotide variant.
Coding change: c.1569G>A on transcript NM_001289104.2 (MANE Select); coding-DNA position 1569, G replaced by A.
Protein change: p.Pro523=; no amino-acid change (proline 523 retained).
Molecular consequence: synonymous variant.
Genome position (GRCh38, 1-based): chr19:11,449,373, G>A. VCF-style: chr19-11449373-G-A. GRCh37 (hg19) VCF-style: chr19-11560188-G-A.
Other names: c.1539G>A, p.Pro513= (NM_001001329.3, NM_001289102.2, NM_001379609.1); c.1569G>A, p.Pro523= (NM_001289103.2); c.1548G>A, p.Pro516= (NM_001379608.1, NM_002743.3).
Identifiers: ClinVar variation 2185106 (VCV002185106.7), dbSNP rs149505716, ClinGen allele CA9213369.

ClinVar aggregate classification (germline): Likely benign. Review status: criteria provided, multiple submitters, no conflicts (2 of 4 stars). 3 submissions from 3 submitters: Likely benign (2). 1 of the submissions does not count toward it. Last evaluated 2025-09-26.

Conditions:
PRKCSH-related disorder. Also called: PRKCSH-related condition.

gnomAD v4.1: 54 of 1,613,216 alleles (0.0033%); highest among the groups gnomAD compares: Admixed American, 0.015%; no homozygotes.

Submissions (3):

Labcorp Genetics (formerly Invitae), Labcorp
Classification: Likely benign. Last evaluated: 2025-09-26. Review status: criteria provided, single submitter. Criteria: Invitae Variant Classification Sherloc (09022015). Collection method: clinical testing. Allele origin: germline.

Blueprint Genetics
Classification: Likely benign. Last evaluated: 2024-10-21. Review status: criteria provided, single submitter. Criteria: ACMG Guidelines, 2015. Collection method: clinical testing. Allele origin: germline.

PreventionGenetics, part of Exact Sciences
Classification: Likely benign for PRKCSH-related condition. Last evaluated: 2019-04-25. Review status: no assertion criteria provided. Collection method: clinical testing. Allele origin: germline. Not counted in ClinVar's aggregate classification.
Comment: This variant is classified as likely benign based on ACMG/AMP sequence variant interpretation guidelines (Richards et al. 2015 PMID: 25741868, with internal and published modifications).